The following is an entry in ClinVar:

ClinVar aggregate classification (germline): Pathogenic. Review status: reviewed by expert panel (3 of 4 stars). 2 submissions from 2 submitters: Pathogenic (1). 1 of the submissions does not count toward it. Last evaluated 2017-12-15.

Conditions:
Breast-ovarian cancer, familial, susceptibility to, 2 (BROVCA2). Also called: BRCA2 Hereditary Breast and Ovarian Cancer. Identifiers: Orphanet 145, MedGen C2675520, MONDO:0012933, OMIM 612555. Disease mechanism: loss of function.

Submissions (2):

Evidence-based Network for the Interpretation of Germline Mutant Alleles (ENIGMA)
Classification: Pathogenic for Breast-ovarian cancer, familial, susceptibility to, 2. Last evaluated: 2017-12-15. Review status: reviewed by expert panel. Criteria: ENIGMA BRCA1/2 Classification Criteria (2017-06-29). Collection method: curation. Allele origin: germline. Study: ENIGMA.
Comment: Variant allele predicted to encode a truncated non-functional protein.

GeneDx
Classification: Pathogenic. Last evaluated: 2015-08-14. Review status: criteria provided, single submitter. Criteria: GeneDx Variant Classification (06012015). Collection method: clinical testing. Allele origin: germline. Affected: yes. Not counted in ClinVar's aggregate classification.
Comment: This deletion of one nucleotide in BRCA2 is denoted c.162delC at the cDNA level and p.Asn54LysfsX26 (N54KfsX26) at the protein level. Using alternate nomenclature, This variant would be defined as BRCA2 390delC. The normal sequence, with the base that is deleted in braces, is TAAAAA[C]AACA. The deletion causes a frameshift, which changes an Asparagine to a Lysine at codon 54, and creates a premature stop codon at position 26 of the new reading frame. Although this variant has not, to our knowledge, been reported in the literature, it is predicted to cause loss of normal protein function through either protein truncation or nonsense-mediated mRNA decay. we consider this variant to be pathogenic.

NM_000059.4(BRCA2):c.162del (p.Asn54fs)

Gene: BRCA2 (BRCA2 DNA repair associated; plus strand). Cytogenetic location: 13q13.1.
Variant type: Deletion.
Coding change: c.162del on transcript NM_000059.4 (MANE Select); coding-DNA position 162, one base deleted (C; older notation c.162delC).
Protein change: p.Asn54fs; shifts the reading frame from asparagine 54.
Molecular consequence: frameshift variant.
Genome position (GRCh38, 1-based): chr13:32,319,171, C deleted. VCF-style (leftmost placement, unchanged base first): chr13-32319170-AC-A. GRCh37 (hg19) VCF-style: chr13-32893307-AC-A.
Other names: c.162delC (NM_000059.3); short protein forms N54fs.
Identifiers: ClinVar variation 419713 (VCV000419713.2), dbSNP rs1064794059, ClinGen allele CA16619637.